The following is an entry in ClinVar:

ClinVar aggregate classification (germline): Uncertain significance (1 of 4 stars; one submission).

Conditions:
RASopathy. Also called: rasopathies; Noonan spectrum disorder. Identifiers: Orphanet 536391, MedGen C5555857, MONDO:0021060.

gnomAD v4.1: 1 of 1,613,472 alleles (0.000062%); highest among the groups gnomAD compares: South Asian, 0.0011%; no homozygotes.

Submission:

Labcorp Genetics (formerly Invitae), Labcorp
Classification: Uncertain significance for RASopathy. Last evaluated: 2025-11-09. Review status: criteria provided, single submitter. Criteria: Invitae Variant Classification Sherloc (09022015). Collection method: clinical testing. Allele origin: germline.
Comment: This sequence change falls in intron 20 of the SOS1 gene. It does not directly change the encoded amino acid sequence of the SOS1 protein. It affects a nucleotide within the consensus splice site. This variant is present in population databases (no rsID available, gnomAD 0.003%). This variant has not been reported in the literature in individuals affected with SOS1-related conditions. Variants that disrupt the consensus splice site are a relatively common cause of aberrant splicing (PMID: 17576681, 9536098). Algorithms developed to predict the effect of sequence changes on RNA splicing suggest that this variant is not likely to affect RNA splicing. In summary, the available evidence is currently insufficient to determine the role of this variant in disease. Therefore, it has been classified as a Variant of Uncertain Significance.

Literature cited by the submitters: PubMed 17576681; PubMed 9536098.

NM_005633.4(SOS1):c.3346+4G>A

Gene: SOS1 (SOS Ras/Rac guanine nucleotide exchange factor 1; minus strand). Cytogenetic location: 2p22.1.
Variant type: single nucleotide variant.
Coding change: c.3346+4G>A on transcript NM_005633.4 (MANE Select); 4 bases into the intron after coding-DNA position 3346, G replaced by A.
Molecular consequence: intron variant.
Genome position (GRCh38, 1-based): chr2:38,995,119, C>T on the plus strand (G>A on the coding strand, the complement: SOS1 is on the minus strand). VCF-style: chr2-38995119-C-T. GRCh37 (hg19) VCF-style: chr2-39222260-C-T.
Other names: c.3325+4G>A (NM_001382394.1); c.3346+4G>A (NM_001382395.1).
Identifiers: ClinVar variation 4730786 (VCV004730786.1).